The following is an entry in ClinVar:

ClinVar aggregate classification (germline): Likely pathogenic. Review status: criteria provided, single submitter (1 of 4 stars). 2 submissions from 2 submitters: Likely pathogenic (1). 1 of the submissions does not count toward it. Last evaluated 2025-09-22.

Conditions:
Hereditary spherocytosis type 4. Also called: SLC4A1-Related Spherocytosis. Identifiers: Orphanet 822, MedGen C2675212, MONDO:0012981, OMIM 612653.

Submissions (2):

Mayo Clinic Laboratories, Mayo Clinic
Classification: Likely pathogenic. Last evaluated: 2025-09-22. Review status: criteria provided, single submitter. Criteria: ACMG Guidelines, 2015. Collection method: clinical testing. Allele origin: germline. Observed: 1 variant allele.
Comment: PP3_moderate, PM2_supporting, PM5, PS3_supporting

OMIM
Classification: Pathogenic for SPHEROCYTOSIS, TYPE 4, DUE TO BAND 3 TOKYO. Last evaluated: 1998-01-01. Review status: no assertion criteria provided. Collection method: literature only. Allele origin: germline. Not counted in ClinVar's aggregate classification.

Literature cited by the submitters: PubMed 9973643 (cited by Mayo Clinic Laboratories, Mayo Clinic and OMIM).

NM_000342.3(SLC4A1):c.2509A>G (p.Thr837Ala)

Gene: SLC4A1 (solute carrier family 4 member 1 (Diego blood group); minus strand). Cytogenetic location: 17q21.31.
Variant type: single nucleotide variant.
Coding change: c.2509A>G on transcript NM_000342.3; coding-DNA position 2509, A replaced by G.
Protein change: p.Thr837Ala; replaces threonine 837 with alanine.
Molecular consequence: missense variant (on NM_000342.4).
Genome position (GRCh38, 1-based): chr17:44,251,305, T>C on the plus strand (A>G on the coding strand, the complement: SLC4A1 is on the minus strand). VCF-style: chr17-44251305-T-C. GRCh37 (hg19) VCF-style: chr17-42328673-T-C.
Other names: c.2509A>G, p.Thr837Ala (NM_000342.4); short protein forms T837A.
Identifiers: ClinVar variation 17770 (VCV000017770.2), dbSNP rs121912750, ClinGen allele CA127395.
Genomic context (GRCh38, chr17:44,251,305, plus strand): 5'-GGGAGGCCGGCGTGGACTTCACCACCCACAGCACTGCCAGGCAGATGATCTGGATGCCCG[T>C]GAATAAGTGCATGCGCCAGGTCTTCACCTGCAGGCGGAGGCTGGGGTCAGTGCCTATCAC-3'
Protein context (NP_000333.1, residues 827-847): RVKTWRMHLF[Thr837Ala]GIQIICLAVL